The following is an entry in ClinVar:

ClinVar aggregate classification (germline): Likely pathogenic. Review status: criteria provided, multiple submitters, no conflicts (2 of 4 stars). 2 submissions from 2 submitters: Likely pathogenic (2). Last evaluated 2023-10-21.

Conditions:
Nemaline myopathy 2 (NEM2). Also called: Nemaline myopathy 2, autosomal recessive. Identifiers: MedGen C1850569, MONDO:0009725, OMIM 256030.
Arthrogryposis multiplex congenita 6. Identifiers: MedGen C5543431, MONDO:0030281, OMIM 619334.

Submissions (2):

Baylor Genetics
Classification: Likely pathogenic for Arthrogryposis multiplex congenita 6. Last evaluated: 2023-10-21. Review status: criteria provided, single submitter. Criteria: ACMG Guidelines, 2015. Collection method: clinical testing. Allele origin: unknown.

Labcorp Genetics (formerly Invitae), Labcorp
Classification: Likely pathogenic for Nemaline myopathy 2. Last evaluated: 2023-05-15. Review status: criteria provided, single submitter. Criteria: Invitae Variant Classification Sherloc (09022015). Collection method: clinical testing. Allele origin: germline.
Comment: In summary, the currently available evidence indicates that the variant is pathogenic, but additional data are needed to prove that conclusively. Therefore, this variant has been classified as Likely Pathogenic. Algorithms developed to predict the effect of sequence changes on RNA splicing suggest that this variant may disrupt the consensus splice site. This sequence change affects an acceptor splice site in intron 167 of the NEB gene. It is expected to disrupt RNA splicing. Variants that disrupt the donor or acceptor splice site typically lead to a loss of protein function (PMID: 16199547), and loss-of-function variants in NEB are known to be pathogenic (PMID: 25205138). This variant is not present in population databases (gnomAD no frequency). This variant has not been reported in the literature in individuals affected with NEB-related conditions.

Literature cited by the submitters: PubMed 16199547 (cited by Labcorp Genetics (formerly Invitae), Labcorp); PubMed 25205138 (cited by Labcorp Genetics (formerly Invitae), Labcorp).

NM_001164508.2(NEB):c.23836-1G>A

Genes: NEB (nebulin; minus strand), RIF1 (replication timing regulatory factor 1; plus strand). Cytogenetic location: 2q23.3.
Variant type: single nucleotide variant.
Coding change: c.23836-1G>A on transcript NM_001164508.2 (MANE Select); the canonical splice acceptor site of the intron before coding-DNA position 23836, G replaced by A.
Molecular consequence: splice acceptor variant.
Genome position (GRCh38, 1-based): chr2:151,502,886, C>T on the plus strand (G>A on the coding strand, the complement: NEB is on the minus strand). VCF-style: chr2-151502886-C-T. GRCh37 (hg19) VCF-style: chr2-152359400-C-T.
Other names: c.18733-1G>A (NM_004543.5); c.23836-1G>A (NM_001164507.2); c.23941-1G>A (NM_001271208.2, NM_001271208.1).
Identifiers: ClinVar variation 2677013 (VCV002677013.4), dbSNP rs2551936300, ClinGen allele CA348781969.